The following is an entry in ClinVar:

ClinVar aggregate classification (germline): Uncertain significance (1 of 4 stars; one submission).

gnomAD v4.1: 15 of 1,613,694 alleles (0.00093%); highest among the groups gnomAD compares: East Asian, 0.0022%; no homozygotes.

Submission:

Labcorp Genetics (formerly Invitae), Labcorp
Classification: Uncertain significance. Last evaluated: 2025-06-29. Review status: criteria provided, single submitter. Criteria: Invitae Variant Classification Sherloc (09022015). Collection method: clinical testing. Allele origin: germline.
Comment: This sequence change replaces arginine, which is basic and polar, with histidine, which is basic and polar, at codon 879 of the GANAB protein (p.Arg879His). This variant is present in population databases (rs772083807, gnomAD 0.006%). This variant has not been reported in the literature in individuals affected with GANAB-related conditions. Invitae Evidence Modeling of protein sequence and biophysical properties (such as structural, functional, and spatial information, amino acid conservation, physicochemical variation, residue mobility, and thermodynamic stability) indicates that this missense variant is not expected to disrupt GANAB protein function with a negative predictive value of 95%. In summary, the available evidence is currently insufficient to determine the role of this variant in disease. Therefore, it has been classified as a Variant of Uncertain Significance.

NM_198334.3(GANAB):c.2570G>A (p.Arg857His)

Gene: GANAB (glucosidase II alpha subunit; minus strand). Cytogenetic location: 11q12.3.
Variant type: single nucleotide variant.
Coding change: c.2570G>A on transcript NM_198334.3 (MANE Select); coding-DNA position 2570, G replaced by A.
Protein change: p.Arg857His; replaces arginine 857 with histidine.
Molecular consequence: missense variant.
Genome position (GRCh38, 1-based): chr11:62,626,389, C>T on the plus strand (G>A on the coding strand, the complement: GANAB is on the minus strand). VCF-style: chr11-62626389-C-T. GRCh37 (hg19) VCF-style: chr11-62393861-C-T.
Other names: c.2294G>A, p.Arg765His (NM_001278192.2); c.2228G>A, p.Arg743His (NM_001278193.2); c.2279G>A, p.Arg760His (NM_001278194.2, NM_001329222.2, NM_001329223.2); c.1847G>A, p.Arg616His (NM_001329224.2, NM_001329225.2); c.2636G>A, p.Arg879His (NM_198335.4); short protein forms R743H, R857H, R879H, R616H, R760H, R765H.
Identifiers: ClinVar variation 4749516 (VCV004749516.1).